The following is an entry in ClinVar:

NM_000053.4(ATP7B):c.703C>G (p.Pro235Ala)

Gene: ATP7B (ATPase copper transporting beta; minus strand). Cytogenetic location: 13q14.3.
Variant type: single nucleotide variant.
Coding change: c.703C>G on transcript NM_000053.4 (MANE Select); coding-DNA position 703, C replaced by G.
Protein change: p.Pro235Ala; replaces proline 235 with alanine.
Molecular consequence: missense variant.
Genome position (GRCh38, 1-based): chr13:51,974,517, G>C on the plus strand (C>G on the coding strand, the complement: ATP7B is on the minus strand). VCF-style: chr13-51974517-G-C. GRCh37 (hg19) VCF-style: chr13-52548653-G-C.
Other names: c.703C>G (NM_000053.3); c.703C>G, p.Pro235Ala (NM_001005918.3, NM_001243182.2, NM_001330578.2 and 1 more transcripts); short protein forms P235A.
Identifiers: ClinVar variation 1523447 (VCV001523447.9), dbSNP rs2140092373, ClinGen allele CA388041849.

ClinVar aggregate classification (germline): Uncertain significance. Review status: criteria provided, multiple submitters, no conflicts (2 of 4 stars). 4 submissions from 4 submitters: Uncertain significance (4). Last evaluated 2024-12-29.

Conditions:
Wilson disease (WND). Also called: Wilson's disease. Identifiers: Orphanet 905, MedGen C0019202, MONDO:0010200, OMIM 277900. Disease mechanism: loss of function.
Inborn genetic diseases. Identifiers: MedGen C0950123, MeSH D030342.

gnomAD v4.1: 2 of 1,614,154 alleles (0.00012%); highest among the groups gnomAD compares: Non-Finnish European, 0.00017%; no homozygotes.

Submissions (4):

Ambry Genetics
Classification: Uncertain significance for Inborn genetic diseases. Last evaluated: 2024-12-29. Review status: criteria provided, single submitter. Criteria: Ambry Variant Classification Scheme 2023. Collection method: clinical testing. Allele origin: germline.
Comment: The p.P235A variant (also known as c.703C>G), located in coding exon 2 of the ATP7B gene, results from a C to G substitution at nucleotide position 703. The proline at codon 235 is replaced by alanine, an amino acid with highly similar properties. This amino acid position is conserved. In addition, this alteration is predicted to be tolerated by in silico analysis. Based on the available evidence, the clinical significance of this variant remains unclear.

All of Us Research Program, National Institutes of Health
Classification: Uncertain significance for Wilson disease. Last evaluated: 2024-04-16. Review status: criteria provided, single submitter. Criteria: ACMG Guidelines, 2015. Collection method: clinical testing. Allele origin: germline. Inheritance: Autosomal recessive inheritance. Observed: 1 variant allele, 1 heterozygote.
Comment: This missense variant replaces proline with alanine at codon 235 of the ATP7B protein. Computational prediction suggests that this variant may not impact protein structure and function (internally defined REVEL score threshold <= 0.5, PMID: 27666373). To our knowledge, functional studies have not been reported for this variant. This variant has not been reported in individuals affected with ATP7B-related disorders in the literature. This variant has not been identified in the general population by the Genome Aggregation Database (gnomAD). The available evidence is insufficient to determine the role of this variant in disease conclusively. Therefore, this variant is classified as a Variant of Uncertain Significance.

This study involves interpretation of variants in research participants for the purpose of population health screening. Participant phenotype was not available at the time of variant classification. Additional details can be found in publication PMID: 35346344, PMCID: PMC8962531

Color Diagnostics, LLC DBA Color Health
Classification: Uncertain significance for Wilson disease. Last evaluated: 2024-03-28. Review status: criteria provided, single submitter. Criteria: ACMG Guidelines, 2015. Collection method: clinical testing. Allele origin: germline.
Comment: This missense variant replaces proline with alanine at codon 235 of the ATP7B protein. Computational prediction suggests that this variant may not impact protein structure and function. To our knowledge, functional studies have not been reported for this variant. This variant has not been reported in individuals affected with ATP7B-related disorders in the literature. This variant has not been identified in the general population by the Genome Aggregation Database (gnomAD). The available evidence is insufficient to determine the role of this variant in disease conclusively. Therefore, this variant is classified as a Variant of Uncertain Significance.

Labcorp Genetics (formerly Invitae), Labcorp
Classification: Uncertain significance for Wilson disease. Last evaluated: 2023-05-22. Review status: criteria provided, single submitter. Criteria: Invitae Variant Classification Sherloc (09022015). Collection method: clinical testing. Allele origin: germline.
Comment: This sequence change replaces proline, which is neutral and non-polar, with alanine, which is neutral and non-polar, at codon 235 of the ATP7B protein (p.Pro235Ala). This variant is not present in population databases (gnomAD no frequency). This variant has not been reported in the literature in individuals affected with ATP7B-related conditions. ClinVar contains an entry for this variant (Variation ID: 1523447). Advanced modeling of protein sequence and biophysical properties (such as structural, functional, and spatial information, amino acid conservation, physicochemical variation, residue mobility, and thermodynamic stability) performed at Invitae indicates that this missense variant is not expected to disrupt ATP7B protein function. In summary, the available evidence is currently insufficient to determine the role of this variant in disease. Therefore, it has been classified as a Variant of Uncertain Significance.